The following is an entry in ClinVar:

NM_024577.4(SH3TC2):c.1001+1G>A

Gene: SH3TC2 (SH3 domain and tetratricopeptide repeats 2; minus strand). Cytogenetic location: 5q32.
Variant type: single nucleotide variant.
Coding change: c.1001+1G>A on transcript NM_024577.4 (MANE Select); the canonical splice donor site of the intron after coding-DNA position 1001, G replaced by A.
Molecular consequence: splice donor variant.
Genome position (GRCh38, 1-based): chr5:149,038,294, C>T on the plus strand (G>A on the coding strand, the complement: SH3TC2 is on the minus strand). VCF-style: chr5-149038294-C-T. GRCh37 (hg19) VCF-style: chr5-148417857-C-T.
Identifiers: ClinVar variation 3235713 (VCV003235713.1), dbSNP rs2531787615, ClinGen allele CA361672119.
Genomic context (GRCh38, chr5:149,038,294, plus strand): 5'-AGGGGAGGGAACCCTGGGAAAGGGAGCCCAGCTCCAGGACATGCTCACTGTCAATACTCA[C>T]ATTGGGGAATAAGAATCAGGATCTATGTTCCTGGTGGGGACAAAGCCCACTTGTCCTGAA-3'

ClinVar aggregate classification (germline): Likely pathogenic (1 of 4 stars; one submission).

Conditions:
Charcot-Marie-Tooth disease type 4C (CMT4C). Also called: CHARCOT-MARIE-TOOTH DISEASE, DEMYELINATING, AUTOSOMAL RECESSIVE, TYPE 4C; CMT 4C; Charcot-Marie-Tooth Neuropathy Type 4C (CMT4C); CHARCOT-MARIE-TOOTH DISEASE, DEMYELINATING, TYPE 4C; SH3TC2-Related Hereditary Motor and Sensory Neuropathy. Identifiers: Orphanet 99949, MedGen C1866636, MONDO:0011113, OMIM 601596.

Submission:

Greenwood Genetic Center Diagnostic Laboratories, Greenwood Genetic Center
Classification: Likely pathogenic for Charcot-Marie-Tooth disease type 4C. Last evaluated: 2024-01-03. Review status: criteria provided, single submitter. Criteria: ACMG Guidelines, 2015. Collection method: clinical testing. Allele origin: germline. Affected: yes.
Comment: PVS1, PM2, PM3